The following is an entry in ClinVar:

ClinVar aggregate classification (germline): Uncertain significance (1 of 4 stars; one submission).

Submission:

Labcorp Genetics (formerly Invitae), Labcorp
Classification: Uncertain significance. Last evaluated: 2024-02-23. Review status: criteria provided, single submitter. Criteria: Invitae Variant Classification Sherloc (09022015). Collection method: clinical testing. Allele origin: germline.
Comment: This sequence change replaces threonine, which is neutral and polar, with isoleucine, which is neutral and non-polar, at codon 2721 of the UNC80 protein (p.Thr2721Ile). This variant is not present in population databases (gnomAD no frequency). This variant has not been reported in the literature in individuals affected with UNC80-related conditions. ClinVar contains an entry for this variant (Variation ID: 2102978). Advanced modeling of protein sequence and biophysical properties (such as structural, functional, and spatial information, amino acid conservation, physicochemical variation, residue mobility, and thermodynamic stability) performed at Invitae indicates that this missense variant is not expected to disrupt UNC80 protein function with a negative predictive value of 80%. In summary, the available evidence is currently insufficient to determine the role of this variant in disease. Therefore, it has been classified as a Variant of Uncertain Significance.

NM_001371986.1(UNC80):c.8360C>T (p.Thr2787Ile)

Gene: UNC80 (unc-80 subunit of NALCN channel complex; plus strand). Cytogenetic location: 2q34.
Variant type: single nucleotide variant.
Coding change: c.8360C>T on transcript NM_001371986.1 (MANE Select); coding-DNA position 8360, C replaced by T.
Protein change: p.Thr2787Ile; replaces threonine 2787 with isoleucine.
Molecular consequence: missense variant.
Genome position (GRCh38, 1-based): chr2:209,972,304, C>T. VCF-style: chr2-209972304-C-T. GRCh37 (hg19) VCF-style: chr2-210837028-C-T.
Other names: c.8162C>T, p.Thr2721Ile (NM_032504.2); c.8147C>T, p.Thr2716Ile (NM_182587.4); short protein forms T2787I, T2716I, T2721I.
Identifiers: ClinVar variation 2102978 (VCV002102978.4), dbSNP rs1360981105, ClinGen allele CA350413043.